The following is an entry in ClinVar:

ClinVar aggregate classification (germline): Uncertain significance. Review status: criteria provided, multiple submitters, no conflicts (2 of 4 stars). 2 submissions from 2 submitters: Uncertain significance (2). Last evaluated 2025-12-29.

Allele frequency attached by ClinVar (database versions not stated): gnomAD 0.00005; gnomAD exomes 0.00005 and 0.00006; ExAC 0.00006; TOPMed 0.00007.
gnomAD v4.1: 82 of 1,605,214 alleles (0.0051%); highest among the groups gnomAD compares: Non-Finnish European, 0.007%; no homozygotes.

Submissions (2):

Labcorp Genetics (formerly Invitae), Labcorp
Classification: Uncertain significance. Last evaluated: 2025-12-29. Review status: criteria provided, single submitter. Criteria: Invitae Variant Classification Sherloc (09022015). Collection method: clinical testing. Allele origin: germline.
Comment: This sequence change replaces arginine, which is basic and polar, with proline, which is neutral and non-polar, at codon 8 of the PISD protein (p.Arg8Pro). This variant is present in population databases (rs746848491, gnomAD 0.01%). This variant has not been reported in the literature in individuals affected with PISD-related conditions. ClinVar contains an entry for this variant (Variation ID: 1380894). An algorithm developed to predict the effect of missense changes on protein structure and function (PolyPhen-2) suggests that this variant is likely to be tolerated. In summary, the available evidence is currently insufficient to determine the role of this variant in disease. Therefore, it has been classified as a Variant of Uncertain Significance.

CeGaT Center for Human Genetics Tuebingen
Classification: Uncertain significance. Last evaluated: 2025-06-01. Review status: criteria provided, single submitter. Criteria: CeGaT Center For Human Genetics Tuebingen Variant Classification Criteria Version 2. Collection method: clinical testing. Allele origin: germline. Affected: yes. Observed: 1 variant allele.
Comment: PISD: PM2, BP4

NM_001326411.2(PISD):c.23G>C (p.Arg8Pro)

Genes: PISD (phosphatidylserine decarboxylase; minus strand), LOC126863123 (P300/CBP strongly-dependent group 1 enhancer GRCh37_chr22:32057235-32058434; plus strand). Cytogenetic location: 22q12.2.
Variant type: single nucleotide variant.
Coding change: c.23G>C on transcript NM_001326411.2 (MANE Select); coding-DNA position 23, G replaced by C.
Protein change: p.Arg8Pro; replaces arginine 8 with proline.
Molecular consequence: missense variant. On other transcripts: 5 prime UTR variant (8).
Genome position (GRCh38, 1-based): chr22:31,662,186, C>G on the plus strand (G>C on the coding strand, the complement: PISD is on the minus strand). VCF-style: chr22-31662186-C-G. GRCh37 (hg19) VCF-style: chr22-32058172-C-G.
Other names: c.23G>C, p.Arg8Pro (NM_001326412.1, NM_001326421.1); c.-127G>C (NM_001326413.2); c.-207G>C (NM_001326414.2); c.-420G>C (NM_001326415.2); c.-609G>C (NM_001326416.2); c.-500G>C (NM_001326417.2, NM_001326419.2); c.-78G>C (NM_001326418.2, NM_001326420.2); short protein forms R8P.
Identifiers: ClinVar variation 1380894 (VCV001380894.30), dbSNP rs746848491, ClinGen allele CA10195045.
Genomic context (GRCh38, chr22:31,662,186, plus strand): 5'-CTCTCCGCGCTGCTATACCTGCTCCGCCACGGCGCGACCCCGTGCAGTAATCCCAGACAT[C>G]GGTGCCCCACGGACGTCGCCATCTTGTCTGCTCCTTCTCAGCGTGCCACGCCCCCTTCAC-3'
Protein context (NP_001313340.1, residues 1-18): MATSVGH[Arg8Pro]CLGLLHGVAP